The following is an entry in ClinVar:

NM_001039.4(SCNN1G):c.-44-4C>G

Gene: SCNN1G (sodium channel epithelial 1 subunit gamma; plus strand). Cytogenetic location: 16p12.2.
Variant type: single nucleotide variant.
Coding change: c.-44-4C>G on transcript NM_001039.4 (MANE Select); 4 bases into the intron before 44 bases upstream of the start codon, C replaced by G.
Molecular consequence: intron variant.
Genome position (GRCh38, 1-based): chr16:23,186,224, C>G. VCF-style: chr16-23186224-C-G. GRCh37 (hg19) VCF-style: chr16-23197545-C-G.
Identifiers: ClinVar variation 318343 (VCV000318343.8), dbSNP rs5731, ClinGen allele CA7959457.

ClinVar aggregate classification (germline): Benign. Review status: criteria provided, multiple submitters, no conflicts (2 of 4 stars). 4 submissions from 3 submitters: Benign (4). Last evaluated 2018-11-12.

Conditions:
Liddle syndrome 2. Identifiers: MedGen C4748251, MONDO:0020854, OMIM 618114.
Pseudohypoaldosteronism, type IB1, autosomal recessive. Also called: Pseudohypoaldosteronism, Type I, Autosomal Recessive; PHA I, AUTOSOMAL RECESSIVE; Pseudohypoaldosteronism, Type I, Recessive; Autosomal recessive pseudohypoaldosteronism type 1. Identifiers: Orphanet 171876, Orphanet 756, MedGen C5774176, MONDO:0009917, OMIM 264350.

Allele frequency attached by ClinVar (database versions not stated): 1000 Genomes Project 0.19688; 1000 Genomes Project 30x 0.19691; ESP Exome Variant Server 0.20359; gnomAD 0.20385; TOPMed 0.21105.
gnomAD v4.1: 367,172 of 1,593,792 alleles (23%); highest among the groups gnomAD compares: Admixed American, 37%; 44,130 homozygotes.

Submissions (4):

GeneDx
Classification: Benign. Last evaluated: 2018-11-12. Review status: criteria provided, single submitter. Criteria: GeneDx Variant Classification Process June 2021. Collection method: clinical testing. Allele origin: germline. Affected: yes.

Illumina Laboratory Services, Illumina
Classification: Benign for Liddle syndrome 2. Last evaluated: 2018-01-12. Review status: criteria provided, single submitter. Criteria: ICSL Variant Classification Criteria 13 December 2019. Collection method: clinical testing. Allele origin: germline.
Comment: This variant was observed in the ICSL laboratory as part of a predisposition screen in an ostensibly healthy population. It had not been previously curated by ICSL or reported in the Human Gene Mutation Database (HGMD: prior to June 1st, 2018), and was therefore a candidate for classification through an automated scoring system. Utilizing variant allele frequency, disease prevalence and penetrance estimates, and inheritance mode, an automated score was calculated to assess if this variant is too frequent to cause the disease. Based on the score and internal cut-off values, a variant classified as benign is not then subjected to further curation. The score for this variant resulted in a classification of benign for this disease.

Illumina Laboratory Services, Illumina
Classification: Benign for Pseudohypoaldosteronism, type IB1, autosomal recessive. Last evaluated: 2018-01-12. Review status: criteria provided, single submitter. Criteria: ICSL Variant Classification Criteria 13 December 2019. Collection method: clinical testing. Allele origin: germline.
Comment: the same text as in the submission from Illumina Laboratory Services, Illumina above.

Breakthrough Genomics
Classification: Benign. Review status: criteria provided, single submitter. Criteria: ACMG Guidelines, 2015. Collection method: not provided. Allele origin: germline. Inheritance: Autosomal dominant inheritance. Affected: yes.